The following is an entry in ClinVar:

NM_014008.5(CCDC22):c.809G>A (p.Arg270Gln)

Gene: CCDC22 (CCC complex scaffolding subunit CCDC22; plus strand). Cytogenetic location: Xp11.23.
Variant type: single nucleotide variant.
Coding change: c.809G>A on transcript NM_014008.5 (MANE Select); coding-DNA position 809, G replaced by A.
Protein change: p.Arg270Gln; replaces arginine 270 with glutamine.
Molecular consequence: missense variant.
Genome position (GRCh38, 1-based): chrX:49,246,825, G>A. VCF-style: chrX-49246825-G-A. GRCh37 (hg19) VCF-style: chrX-49103286-G-A.
Other names: short protein forms R270Q.
Identifiers: ClinVar variation 3139056 (VCV003139056.3), dbSNP rs145340927, ClinGen allele CA10411331.

ClinVar aggregate classification (germline): Conflicting classifications of pathogenicity. Review status: criteria provided, conflicting classifications (1 of 4 stars). 2 submissions from 2 submitters: Uncertain significance (1); Likely benign (1). Last evaluated 2026-04-01.

Allele frequency attached by ClinVar (database versions not stated): gnomAD exomes 0.00006; gnomAD 0.00018; TOPMed 0.00019; 1000 Genomes Project 30x 0.00021; 1000 Genomes Project 0.00026; ESP Exome Variant Server 0.00029.
gnomAD v4.1: 81 of 1,198,902 alleles (0.0068%); highest among the groups gnomAD compares: African/African-American, 0.056%; no homozygotes.

Submissions (2):

CeGaT Center for Human Genetics Tuebingen
Classification: Likely benign. Last evaluated: 2026-04-01. Review status: criteria provided, single submitter. Criteria: CeGaT Center For Human Genetics Tuebingen Variant Classification Criteria Version 2. Collection method: clinical testing. Allele origin: germline. Affected: yes. Observed: 1 variant allele.
Comment: CCDC22: BP4, BS2

Ambry Genetics
Classification: Uncertain significance. Last evaluated: 2023-09-21. Review status: criteria provided, single submitter. Criteria: Ambry Variant Classification Scheme 2023. Collection method: clinical testing. Allele origin: germline.